The following is an entry in ClinVar:

NC_000009.12:g.(?_95456266)_(95459793_?)del

Gene: PTCH1 (patched 1; minus strand). Cytogenetic location: 9q22.32.
Variant type: Deletion.
Identifiers: ClinVar variation 832952 (VCV000832952.5).

ClinVar aggregate classification (germline): Likely pathogenic (1 of 4 stars; one submission).

Conditions:
Gorlin syndrome. Also called: Basal cell nevus syndrome; Nevoid Basal Cell Carcinoma Syndrome. Identifiers: Orphanet 377, MedGen C0004779, MONDO:0007187.

Submission:

Labcorp Genetics (formerly Invitae), Labcorp
Classification: Likely pathogenic for Gorlin syndrome. Last evaluated: 2019-07-26. Review status: criteria provided, single submitter. Criteria: Invitae Variant Classification Sherloc (09022015). Collection method: clinical testing. Allele origin: germline.
Comment: Similar deletions of exons 17-19 have been observed in a family with clinical features of basal cell nevus syndrome (PMID: 29575684). This variant is also known as del 16i_19i (2703+1_2704-1)_ (3306+1_3307-1)del in the literature. This variant is an in-frame deletion of the exons 17-19 of the PTCH1 gene. It preserves the integrity of the reading frame. In summary, the currently available evidence indicates that the variant is pathogenic, but additional data are needed to prove that conclusively. Therefore, this variant has been classified as Likely Pathogenic. This variant disrupts a large portion of the sterol-sensing domain 2 (SSD2) of the PTCH1 protein, which is essential for regulation of Hedgehog (Hh) pathway (PMID: 30166346). While functional studies have not been performed to directly test the effect of this variant on PTCH1 protein function, this suggests that disruption of this region of the protein is causative of disease.

Literature cited by the submitters: PubMed 29575684; PubMed 30166346.